The following is an entry in ClinVar:

ClinVar aggregate classification (germline): Uncertain significance (1 of 4 stars; one submission).

Allele frequency attached by ClinVar (database versions not stated): gnomAD exomes below 0.00001 and 0.00001; gnomAD 0.00001 and 0.00002; ExAC 0.00010.
gnomAD v4.1: 6 of 1,269,874 alleles (0.00047%); highest among the groups gnomAD compares: South Asian, 0.0052%; no homozygotes.

Submission:

GeneDx
Classification: Uncertain significance. Last evaluated: 2022-06-30. Review status: criteria provided, single submitter. Criteria: GeneDx Variant Classification Process June 2021. Collection method: clinical testing. Allele origin: germline. Affected: yes.
Comment: Has not been previously published as pathogenic or benign to our knowledge; Not observed at significant frequency in large population cohorts (gnomAD); In silico analysis supports that this missense variant does not alter protein structure/function

NM_000421.5(KRT10):c.1588T>C (p.Tyr530His)

Gene: KRT10 (keratin 10; minus strand). Cytogenetic location: 17q21.2.
Variant type: single nucleotide variant.
Coding change: c.1588T>C on transcript NM_000421.5 (MANE Select); coding-DNA position 1588, T replaced by C.
Protein change: p.Tyr530His; replaces tyrosine 530 with histidine.
Molecular consequence: missense variant.
Genome position (GRCh38, 1-based): chr17:40,818,947, A>G on the plus strand (T>C on the coding strand, the complement: KRT10 is on the minus strand). VCF-style: chr17-40818947-A-G. GRCh37 (hg19) VCF-style: chr17-38975199-A-G.
Other names: c.1588T>C, p.Tyr530His (NM_001379366.1); short protein forms Y530H.
Identifiers: ClinVar variation 1695527 (VCV001695527.2), dbSNP rs756380270, ClinGen allele CA8547964.
Genomic context (GRCh38, chr17:40,818,947, plus strand): 5'-CGCCGCCGGAGCTGCCGCCCCCGTAGCCGCCGCCGCCGCCGCCGGAACTGCCACCACCGT[A>G]GCCGCCGCTGGAACTGCCGCCGTGGCCGCCGCTGGAGCTTCCGCCCCCGTAGCCGCCGCC-3'
Protein context (NP_000412.4, residues 520-540): GGHGGSSSGG[Tyr530His]GGGSSGGGGG